The following is an entry in ClinVar:

NM_000492.4(CFTR):c.23A>G (p.Lys8Arg)

Gene: CFTR (CF transmembrane conductance regulator; plus strand). Cytogenetic location: 7q31.2.
Variant type: single nucleotide variant.
Coding change: c.23A>G on transcript NM_000492.4 (MANE Select); coding-DNA position 23, A replaced by G.
Protein change: p.Lys8Arg; replaces lysine 8 with arginine.
Molecular consequence: missense variant.
Genome position (GRCh38, 1-based): chr7:117,480,117, A>G. VCF-style: chr7-117480117-A-G. GRCh37 (hg19) VCF-style: chr7-117120171-A-G.
Other names: short protein forms K8R.
Identifiers: ClinVar variation 908195 (VCV000908195.5), dbSNP rs1204115625, ClinGen allele CA368981215.
Genomic context (GRCh38, chr7:117,480,117, plus strand): 5'-CAGACGGCCCTAGCAGGGACCCCAGCGCCCGAGAGACCATGCAGAGGTCGCCTCTGGAAA[A>G]GGCCAGCGTTGTCTCCAAACTTTTTTTCAGGTGAGAAGGTGGCCAACCGAGCTTCGGAAA-3'
Protein context (NP_000483.3, residues 1-18): MQRSPLE[Lys8Arg]ASVVSKLFFS

ClinVar aggregate classification (germline): Uncertain significance. Review status: criteria provided, multiple submitters, no conflicts (2 of 4 stars). 2 submissions from 2 submitters: Uncertain significance (2). Last evaluated 2026-09-02.

Conditions:
Cystic fibrosis (CF). Also called: MUCOVISCIDOSIS. Identifiers: Orphanet 586, MedGen C0010674, MONDO:0009061, OMIM 219700. Disease mechanism: loss of function.
CFTR-related disorder (CFTR-RD). Also called: CFTR-related disorders; CFTR-related condition. Identifiers: MedGen C5924204, MONDO:7770004.

Allele frequency attached by ClinVar (database versions not stated): TOPMed below 0.00001; gnomAD exomes below 0.00001; gnomAD 0.00001.
gnomAD v4.1: 2 of 1,613,734 alleles (0.00012%); highest among the groups gnomAD compares: Non-Finnish European, 0.00017%; no homozygotes.

Submissions (2):

Ambry Genetics
Classification: Uncertain significance for Cystic fibrosis. Last evaluated: 2026-09-02. Review status: criteria provided, single submitter. Criteria: Ambry Variant Classification Scheme 2023. Collection method: clinical testing. Allele origin: germline.
Comment: The p.K8R variant (also known as c.23A>G), located in coding exon 1 of the CFTR gene, results from an A to G substitution at nucleotide position 23. The lysine at codon 8 is replaced by arginine, an amino acid with highly similar properties. This amino acid position is well conserved in available vertebrate species. In addition, this alteration is predicted to be tolerated by in silico analysis. Based on the available evidence, the clinical significance of this variant remains unclear.

Illumina Laboratory Services, Illumina
Classification: Uncertain significance for CFTR-Related Disorders. Last evaluated: 2017-04-27. Review status: criteria provided, single submitter. Criteria: ICSL Variant Classification Criteria 13 December 2019. Collection method: clinical testing. Allele origin: germline.